The following is an entry in ClinVar:

ClinVar aggregate classification (germline): Uncertain significance. Review status: criteria provided, multiple submitters, no conflicts (2 of 4 stars). 3 submissions from 3 submitters: Uncertain significance (3). Last evaluated 2025-07-08.

Conditions:
Finnish type amyloidosis. Also called: Amyloidosis 5; AMYLOIDOSIS, HEREDITARY SYSTEMIC 4, FINNISH TYPE; AMYLOID CRANIAL NEUROPATHY WITH LATTICE CORNEAL DYSTROPHY; AMYLOIDOSIS DUE TO MUTANT GELSOLIN; Amyloidosis, familial, Finnish type; Meretoja type amyloidosis. Identifiers: Orphanet 85448, MedGen C1622345, MONDO:0007097, OMIM 105120.
Inborn genetic diseases. Identifiers: MedGen C0950123, MeSH D030342.

Allele frequency attached by ClinVar (database versions not stated): gnomAD exomes 0.00001 and 0.00002; ExAC 0.00002; gnomAD 0.00002 and 0.00003; TOPMed 0.00002.
gnomAD v4.1: 26 of 1,613,700 alleles (0.0016%); highest among the groups gnomAD compares: South Asian, 0.0033%; no homozygotes.

Submissions (3):

Labcorp Genetics (formerly Invitae), Labcorp
Classification: Uncertain significance. Last evaluated: 2025-07-08. Review status: criteria provided, single submitter. Criteria: Invitae Variant Classification Sherloc (09022015). Collection method: clinical testing. Allele origin: germline.
Comment: This sequence change replaces arginine, which is basic and polar, with tryptophan, which is neutral and slightly polar, at codon 729 of the GSN protein (p.Arg729Trp). This variant is present in population databases (rs755630687, gnomAD 0.004%). This variant has not been reported in the literature in individuals affected with GSN-related conditions. ClinVar contains an entry for this variant (Variation ID: 1407340). Invitae Evidence Modeling of protein sequence and biophysical properties (such as structural, functional, and spatial information, amino acid conservation, physicochemical variation, residue mobility, and thermodynamic stability) indicates that this missense variant is not expected to disrupt GSN protein function with a negative predictive value of 80%. In summary, the available evidence is currently insufficient to determine the role of this variant in disease. Therefore, it has been classified as a Variant of Uncertain Significance.

Fulgent Genetics
Classification: Uncertain significance for Finnish type amyloidosis. Last evaluated: 2024-02-08. Review status: criteria provided, single submitter. Criteria: ACMG Guidelines, 2015. Collection method: clinical testing. Allele origin: germline.

Ambry Genetics
Classification: Uncertain significance for Inborn genetic diseases. Last evaluated: 2021-03-31. Review status: criteria provided, single submitter. Criteria: Ambry Variant Classification Scheme 2023. Collection method: clinical testing. Allele origin: germline.
Comment: The p.R729W variant (also known as c.2185C>T), located in coding exon 17 of the GSN gene, results from a C to T substitution at nucleotide position 2185. The arginine at codon 729 is replaced by tryptophan, an amino acid with dissimilar properties. This amino acid position is well conserved in available vertebrate species. In addition, the in silico prediction for this alteration is inconclusive. Since supporting evidence is limited at this time, the clinical significance of this alteration remains unclear.

NM_198252.3(GSN):c.2032C>T (p.Arg678Trp)

Gene: GSN (gelsolin; plus strand). Cytogenetic location: 9q33.2.
Variant type: single nucleotide variant.
Coding change: c.2032C>T on transcript NM_198252.3 (MANE Select); coding-DNA position 2032, C replaced by T.
Protein change: p.Arg678Trp; replaces arginine 678 with tryptophan.
Molecular consequence: missense variant.
Genome position (GRCh38, 1-based): chr9:121,332,439, C>T. VCF-style: chr9-121332439-C-T. GRCh37 (hg19) VCF-style: chr9-124094717-C-T.
Other names: c.2185C>T, p.Arg729Trp (NM_000177.5); c.2032C>T, p.Arg678Trp (NM_001127662.2, NM_001127664.2, NM_001127665.2 and 10 more transcripts); c.2140C>T, p.Arg714Trp (NM_001127663.2); c.2065C>T, p.Arg689Trp (NM_001127666.2, NM_001127667.2, NM_001353063.2 and 13 more transcripts); c.2083C>T, p.Arg695Trp (NM_001258029.2); c.2056C>T, p.Arg686Trp (NM_001258030.2); c.2104C>T, p.Arg702Trp (NM_001353076.2); c.1378C>T, p.Arg460Trp (NM_001353078.2); short protein forms R686W, R702W, R678W, R714W, R460W, R729W, R689W, R695W.
Identifiers: ClinVar variation 1407340 (VCV001407340.9), dbSNP rs755630687, ClinGen allele CA5221524.
Genomic context (GRCh38, chr9:121,332,439, plus strand): 5'-TGTGGGAGGCACTAAGAATTCCTGGGGTTTCCTTTTCTTGCACGTGTGTCTGCAGCTAAG[C>T]GGTACATCGAGACGGACCCAGCCAATCGGGATCGGCGGACGCCCATCACCGTGGTGAAGC-3'
Protein context (NP_937895.1, residues 668-688): EKTEALTSAK[Arg678Trp]YIETDPANRD